The following is an entry in ClinVar:

ClinVar aggregate classification (germline): Uncertain significance (1 of 4 stars; one submission).

Conditions:
Dilated cardiomyopathy 1DD (CMD1DD). Identifiers: Orphanet 154, MedGen C2750995, MONDO:0013168, OMIM 613172.

Submission:

Labcorp Genetics (formerly Invitae), Labcorp
Classification: Uncertain significance for Dilated cardiomyopathy 1DD. Last evaluated: 2025-07-20. Review status: criteria provided, single submitter. Criteria: Invitae Variant Classification Sherloc (09022015). Collection method: clinical testing. Allele origin: germline.
Comment: This sequence change replaces alanine, which is neutral and non-polar, with glutamic acid, which is acidic and polar, at codon 708 of the RBM20 protein (p.Ala708Glu). This variant is not present in population databases (gnomAD no frequency). This variant has not been reported in the literature in individuals affected with RBM20-related conditions. Invitae Evidence Modeling of protein sequence and biophysical properties (such as structural, functional, and spatial information, amino acid conservation, physicochemical variation, residue mobility, and thermodynamic stability) indicates that this missense variant is not expected to disrupt RBM20 protein function with a negative predictive value of 95%. In summary, the available evidence is currently insufficient to determine the role of this variant in disease. Therefore, it has been classified as a Variant of Uncertain Significance.

NM_001134363.3(RBM20):c.2123C>A (p.Ala708Glu)

Gene: RBM20 (RNA binding motif protein 20; plus strand). Cytogenetic location: 10q25.2.
Variant type: single nucleotide variant.
Coding change: c.2123C>A on transcript NM_001134363.3 (MANE Select); coding-DNA position 2123, C replaced by A.
Protein change: p.Ala708Glu; replaces alanine 708 with glutamic acid.
Molecular consequence: missense variant.
Genome position (GRCh38, 1-based): chr10:110,812,520, C>A. VCF-style: chr10-110812520-C-A. GRCh37 (hg19) VCF-style: chr10-112572278-C-A.
Other names: short protein forms A708E.
Identifiers: ClinVar variation 4808444 (VCV004808444.1).